The following is an entry in ClinVar:

ClinVar aggregate classification (germline): Uncertain significance. Review status: criteria provided, multiple submitters, no conflicts (2 of 4 stars). 4 submissions from 4 submitters: Uncertain significance (4). Last evaluated 2022-07-21.

Conditions:
Glycogen storage disease, type II (IOPD). Also called: Glucosidase acid-1,4-alpha deficiency; GLYCOGENOSIS, GENERALIZED, CARDIAC FORM; GSD II; POMPE DISEASE, INFANTILE-ONSET; GLYCOGEN STORAGE DISEASE II, INFANTILE-ONSET; ACID ALPHA-GLUCOSIDASE DEFICIENCY, INFANTILE-ONSET. Identifiers: Orphanet 365, MedGen C0017921, MONDO:0009290, OMIM 232300.

gnomAD v4.1: 37 of 1,604,036 alleles (0.0023%); highest among the groups gnomAD compares: African/African-American, 0.004%; no homozygotes.

Submissions (4):

Labcorp Genetics (formerly Invitae), Labcorp
Classification: Uncertain significance for Glycogen storage disease, type II. Last evaluated: 2022-07-21. Review status: criteria provided, single submitter. Criteria: Invitae Variant Classification Sherloc (09022015). Collection method: clinical testing. Allele origin: germline.
Comment: This sequence change replaces threonine, which is neutral and polar, with methionine, which is neutral and non-polar, at codon 182 of the GAA protein (p.Thr182Met). This variant is present in population databases (rs200524747, gnomAD 0.003%). This variant has not been reported in the literature in individuals affected with GAA-related conditions. ClinVar contains an entry for this variant (Variation ID: 1199276). Algorithms developed to predict the effect of missense changes on protein structure and function output the following: SIFT: "Deleterious"; PolyPhen-2: "Benign"; Align-GVGD: "Class C0". The methionine amino acid residue is found in multiple mammalian species, which suggests that this missense change does not adversely affect protein function. Algorithms developed to predict the effect of sequence changes on RNA splicing suggest that this variant may disrupt the consensus splice site. In summary, the available evidence is currently insufficient to determine the role of this variant in disease. Therefore, it has been classified as a Variant of Uncertain Significance.

GeneDx
Classification: Uncertain significance. Last evaluated: 2022-01-18. Review status: criteria provided, single submitter. Criteria: GeneDx Variant Classification Process June 2021. Collection method: clinical testing. Allele origin: germline. Affected: yes.
Comment: Has not been previously published as pathogenic or benign to our knowledge; Not observed at significant frequency in large population cohorts (gnomAD); In silico analysis supports that this missense variant does not alter protein structure/function

Fulgent Genetics
Classification: Uncertain significance for Glycogen storage disease, type II. Last evaluated: 2021-09-29. Review status: criteria provided, single submitter. Criteria: ACMG Guidelines, 2015. Collection method: clinical testing. Allele origin: unknown.

Genome-Nilou Lab
Classification: Uncertain significance for Glycogen storage disease, type II. Last evaluated: 2021-07-14. Review status: criteria provided, single submitter. Criteria: ACMG Guidelines, 2015. Collection method: clinical testing. Allele origin: germline. Affected: no.

NM_000152.5(GAA):c.545C>T (p.Thr182Met)

Gene: GAA (alpha glucosidase; plus strand). Cytogenetic location: 17q25.3.
Variant type: single nucleotide variant.
Coding change: c.545C>T on transcript NM_000152.5 (MANE Select); coding-DNA position 545, C replaced by T.
Protein change: p.Thr182Met; replaces threonine 182 with methionine.
Molecular consequence: missense variant.
Genome position (GRCh38, 1-based): chr17:80,105,131, C>T. VCF-style: chr17-80105131-C-T. GRCh37 (hg19) VCF-style: chr17-78078930-C-T.
Other names: c.545C>T, p.Thr182Met (NM_001079803.3, NM_001079804.3); c.545C>T (NM_000152.3); short protein forms T182M.
Identifiers: ClinVar variation 1199276 (VCV001199276.9), dbSNP rs200524747, ClinGen allele CA8814894.
Genomic context (GRCh38, chr17:80,105,131, plus strand): 5'-AGGACATCCTGACCCTGCGGCTGGACGTGATGATGGAGACTGAGAACCGCCTCCACTTCA[C>T]GGTGGGCAGGGCAGGGGCGGGGGCGGCGGCCAGGGCAGAGGGTGCGCGTGGACATCGACA-3'
Protein context (NP_000143.2, residues 172-192): MMETENRLHF[Thr182Met]IKDPANRRYE